The following is an entry in ClinVar:

ClinVar aggregate classification (germline): Pathogenic (1 of 4 stars; one submission).

Conditions:
Hereditary factor VIII deficiency disease (HEMA). Also called: HEMOPHILIA, CLASSIC; AUTOSOMAL HEMOPHILIA A; Hemophilia A; Hemophilia A, congenital; HEM A; Factor 8 deficiency, congenital. Identifiers: Orphanet 98878, MedGen C0019069, MONDO:0010602, OMIM 306700.

Submission:

ARUP Laboratories, Molecular Genetics and Genomics, ARUP Laboratories
Classification: Pathogenic for Hereditary factor VIII deficiency disease. Last evaluated: 2020-12-30. Review status: criteria provided, single submitter. Criteria: ARUP Molecular Germline Variant Investigation Process 2021. Collection method: clinical testing. Allele origin: germline.
Comment: The F8 c.4758G>A; p.Trp1586Ter variant is reported in the literature in multiple individuals affected with moderate to severe hemophilia A (see F8 database and references therein, Pinto 2016, Villarreal-Martinez 2020). In vitro functional analyses demonstrate that individuals with this variant have factor VIII activity of <5% (F8 database, Pinto 2016, Villarreal-Martinez 2020). This variant is absent from general population databases (Exome Variant Server, Genome Aggregation Database), indicating it is not a common polymorphism. Additionally, another nonsense variant at this codon (c.4757G>A, p.Trp1586Ter) has been reported in individuals with severe hemophilia A and is considered pathogenic (F8 database, Laurie 2007). This variant induces an early termination codon and is predicted to result in a truncated protein or mRNA subject to nonsense-mediated decay. Based on available information, this variant is considered to be pathogenic. References: F8 variant database link: Laurie AD et al. The molecular aetiology of haemophilia A in a New Zealand patient group. Haemophilia. 2007 Jul;13(4):420-7. Pinto P et al. F8 gene mutation profile in Indian hemophilia A patients: Identification of 23 novel mutations and factor VIII inhibitor risk association. Mutat Res. 2016 Apr;786:27-33. Villarreal-Martinez L et al. Molecular genetic diagnosis by next-generation sequencing in a cohort of Mexican patients with haemophilia and report of novel variants. Blood Cells Mol Dis. 2020 Jul;83:102423.

NM_000132.4(F8):c.4758G>A (p.Trp1586Ter)

Gene: F8 (coagulation factor VIII; minus strand). Cytogenetic location: Xq28.
Variant type: single nucleotide variant.
Coding change: c.4758G>A on transcript NM_000132.4 (MANE Select); coding-DNA position 4758, G replaced by A.
Protein change: p.Trp1586Ter; replaces tryptophan 1586 with a stop codon.
Molecular consequence: nonsense.
Genome position (GRCh38, 1-based): chrX:154,929,032, C>T on the plus strand (G>A on the coding strand, the complement: F8 is on the minus strand). VCF-style: chrX-154929032-C-T. GRCh37 (hg19) VCF-style: chrX-154157307-C-T.
Other names: short protein forms W1586*.
Identifiers: ClinVar variation 1330919 (VCV001330919.7), dbSNP rs2124048012, ClinGen allele CA414916470.